The following is an entry in ClinVar:

ClinVar aggregate classification (germline): Uncertain significance (1 of 4 stars; one submission).

Conditions:
Familial hemiplegic migraine. Identifiers: MedGen C0338484, MONDO:0000700.

Submission:

Labcorp Genetics (formerly Invitae), Labcorp
Classification: Uncertain significance for Familial hemiplegic migraine. Last evaluated: 2024-05-13. Review status: criteria provided, single submitter. Criteria: Invitae Variant Classification Sherloc (09022015). Collection method: clinical testing. Allele origin: germline.
Comment: This sequence change replaces methionine, which is neutral and non-polar, with isoleucine, which is neutral and non-polar, at codon 586 of the ATP1A2 protein (p.Met586Ile). This variant is not present in population databases (gnomAD no frequency). This variant has not been reported in the literature in individuals affected with ATP1A2-related conditions. Advanced modeling of protein sequence and biophysical properties (such as structural, functional, and spatial information, amino acid conservation, physicochemical variation, residue mobility, and thermodynamic stability) performed at Invitae indicates that this missense variant is not expected to disrupt ATP1A2 protein function with a negative predictive value of 80%. In summary, the available evidence is currently insufficient to determine the role of this variant in disease. Therefore, it has been classified as a Variant of Uncertain Significance.

NM_000702.4(ATP1A2):c.1758G>A (p.Met586Ile)

Gene: ATP1A2 (ATPase Na+/K+ transporting subunit alpha 2; plus strand). Cytogenetic location: 1q23.2.
Variant type: single nucleotide variant.
Coding change: c.1758G>A on transcript NM_000702.4 (MANE Select); coding-DNA position 1758, G replaced by A.
Protein change: p.Met586Ile; replaces methionine 586 with isoleucine.
Molecular consequence: missense variant.
Genome position (GRCh38, 1-based): chr1:160,130,528, G>A. VCF-style: chr1-160130528-G-A. GRCh37 (hg19) VCF-style: chr1-160100318-G-A.
Other names: short protein forms M586I.
Identifiers: ClinVar variation 3690968 (VCV003690968.2).